The following is an entry in ClinVar:

NM_172107.4(KCNQ2):c.2592C>T (p.Asp864=)

Gene: KCNQ2 (potassium voltage-gated channel subfamily Q member 2; minus strand). Cytogenetic location: 20q13.33.
Variant type: single nucleotide variant.
Coding change: c.2592C>T on transcript NM_172107.4 (MANE Select); coding-DNA position 2592, C replaced by T.
Protein change: p.Asp864=; no amino-acid change (aspartic acid 864 retained).
Molecular consequence: synonymous variant.
Genome position (GRCh38, 1-based): chr20:63,406,671, G>A on the plus strand (C>T on the coding strand, the complement: KCNQ2 is on the minus strand). VCF-style: chr20-63406671-G-A. GRCh37 (hg19) VCF-style: chr20-62038024-G-A.
Other names: c.2646C>T, p.Asp882= (NM_001382235.1); c.2508C>T, p.Asp836= (NM_004518.6); c.2538C>T, p.Asp846= (NM_172106.3); c.2499C>T, p.Asp833= (NM_172108.5).
Identifiers: ClinVar variation 995136 (VCV000995136.24), dbSNP rs536366837, ClinGen allele CA9958054.

ClinVar aggregate classification (germline): Benign/Likely benign. Review status: criteria provided, multiple submitters, no conflicts (2 of 4 stars). 7 submissions from 7 submitters: Benign (4); Likely benign (3). Last evaluated 2026-05-27.

Conditions:
Early-infantile DEE. Also called: Early infantile epileptic encephalopathy with suppression bursts; Early infantile epileptic encephalopathy; Ohtahara syndrome. Identifiers: Orphanet 1934, MedGen C0393706, MONDO:0800491.
KCNQ2-Related Disorders. Also called: KCNQ2-related condition; KCNQ2-related disorder. Identifiers: MedGen CN169299.

Allele frequency attached by ClinVar (database versions not stated): gnomAD 0.00001 and 0.00007; TOPMed 0.00002; gnomAD exomes 0.00016 and 0.00026; ExAC 0.00037; 1000 Genomes Project 0.00080; 1000 Genomes Project 30x 0.00094.
gnomAD v4.1: 238 of 1,599,948 alleles (0.015%); highest among the groups gnomAD compares: South Asian, 0.24%; 4 homozygotes.

Submissions (7):

PreventionGenetics, part of Exact Sciences
Classification: Likely benign for KCNQ2-related condition. Last evaluated: 2026-05-27. Review status: criteria provided, single submitter. Criteria: ACMG Guidelines, 2015. Collection method: clinical testing. Allele origin: germline.
Comment: This variant is classified as likely benign based on ACMG/AMP sequence variant interpretation guidelines (Richards et al. 2015 PMID: 25741868, with internal and published modifications).

Labcorp Genetics (formerly Invitae), Labcorp
Classification: Benign for Early-infantile DEE. Last evaluated: 2026-01-26. Review status: criteria provided, single submitter. Criteria: Invitae Variant Classification Sherloc (09022015). Collection method: clinical testing. Allele origin: germline.

CeGaT Center for Human Genetics Tuebingen
Classification: Likely benign. Last evaluated: 2025-05-01. Review status: criteria provided, single submitter. Criteria: CeGaT Center For Human Genetics Tuebingen Variant Classification Criteria Version 2. Collection method: clinical testing. Allele origin: germline. Affected: yes. Observed: 1 variant allele.
Comment: KCNQ2: BP4, BP7

Blueprint Genetics
Classification: Likely benign. Last evaluated: 2023-09-06. Review status: criteria provided, single submitter. Criteria: ACMG Guidelines, 2015. Collection method: clinical testing. Allele origin: germline.

GeneDx
Classification: Benign. Last evaluated: 2019-12-19. Review status: criteria provided, single submitter. Criteria: GeneDx Variant Classification Process June 2021. Collection method: clinical testing. Allele origin: germline. Affected: yes.

Athena Diagnostics
Classification: Benign. Last evaluated: 2019-10-23. Review status: criteria provided, single submitter. Criteria: Athena Diagnostics Criteria. Collection method: clinical testing. Allele origin: unknown.

Breakthrough Genomics
Classification: Benign. Review status: criteria provided, single submitter. Criteria: ACMG Guidelines, 2015. Collection method: not provided. Allele origin: germline. Inheritance: Autosomal dominant inheritance. Affected: yes.